The following is an entry in ClinVar:

ClinVar aggregate classification (germline): Uncertain significance (1 of 4 stars; one submission).

Allele frequency attached by ClinVar (database versions not stated): 1000 Genomes Project 30x 0.00047; TOPMed 0.00015; gnomAD 0.00016; gnomAD exomes 0.00018; ESP Exome Variant Server 0.00023; ExAC 0.00027; 1000 Genomes Project 0.00040.
gnomAD v4.1: 312 of 1,611,952 alleles (0.019%); highest among the groups gnomAD compares: Middle Eastern, 0.66%; 2 homozygotes.

Submission:

Labcorp Genetics (formerly Invitae), Labcorp
Classification: Uncertain significance. Last evaluated: 2025-07-29. Review status: criteria provided, single submitter. Criteria: Invitae Variant Classification Sherloc (09022015). Collection method: clinical testing. Allele origin: germline.
Comment: This sequence change replaces histidine, which is basic and polar, with arginine, which is basic and polar, at codon 331 of the CBX2 protein (p.His331Arg). This variant is present in population databases (rs201075939, gnomAD 0.07%), and has an allele count higher than expected for a pathogenic variant. This variant has not been reported in the literature in individuals affected with CBX2-related conditions. ClinVar contains an entry for this variant (Variation ID: 2077620). Invitae Evidence Modeling of protein sequence and biophysical properties (such as structural, functional, and spatial information, amino acid conservation, physicochemical variation, residue mobility, and thermodynamic stability) indicates that this missense variant is not expected to disrupt CBX2 protein function with a negative predictive value of 80%. In summary, the available evidence is currently insufficient to determine the role of this variant in disease. Therefore, it has been classified as a Variant of Uncertain Significance.

NM_005189.3(CBX2):c.992A>G (p.His331Arg)

Gene: CBX2 (chromobox 2; plus strand). Cytogenetic location: 17q25.3.
Variant type: single nucleotide variant.
Coding change: c.992A>G on transcript NM_005189.3 (MANE Select); coding-DNA position 992, A replaced by G.
Protein change: p.His331Arg; replaces histidine 331 with arginine.
Molecular consequence: missense variant.
Genome position (GRCh38, 1-based): chr17:79,784,435, A>G. VCF-style: chr17-79784435-A-G. GRCh37 (hg19) VCF-style: chr17-77758234-A-G.
Other names: short protein forms H331R.
Identifiers: ClinVar variation 2077620 (VCV002077620.4), dbSNP rs201075939, ClinGen allele CA8811388.
Genomic context (GRCh38, chr17:79,784,435, plus strand): 5'-CCCCCAGCGGTGGGGCTGTGGAGCAGAAAGTGGGGAACACAGGGGGCCCCCCGCACACCC[A>G]TGGTGCCAGCAGGGTGCCTGCTGGGTGCCCAGGCCCCCAGCCAGCACCCACCCAGGAGCT-3'
Protein context (NP_005180.1, residues 321-341): VGNTGGPPHT[His331Arg]GASRVPAGCP